The following is an entry in ClinVar:

NM_024312.5(GNPTAB):c.3539C>T (p.Ser1180Phe)

Gene: GNPTAB (N-acetylglucosamine-1-phosphate transferase subunits alpha and beta; minus strand). Cytogenetic location: 12q23.2.
Variant type: single nucleotide variant.
Coding change: c.3539C>T on transcript NM_024312.5 (MANE Select); coding-DNA position 3539, C replaced by T.
Protein change: p.Ser1180Phe; replaces serine 1180 with phenylalanine.
Molecular consequence: missense variant.
Genome position (GRCh38, 1-based): chr12:101,753,435, G>A on the plus strand (C>T on the coding strand, the complement: GNPTAB is on the minus strand). VCF-style: chr12-101753435-G-A. GRCh37 (hg19) VCF-style: chr12-102147213-G-A.
Other names: short protein forms S1180F.
Identifiers: ClinVar variation 397574 (VCV000397574.3), dbSNP rs1060499689, ClinGen allele CA16609423.

ClinVar aggregate classification (germline): Likely pathogenic (1 of 4 stars; one submission).

Conditions:
Mucolipidosis type II. Also called: ML II ALPHA/BETA; Mucolipidosis 2; ML 2; Inclusion cell disease; Leroy Disease; N-acetylglucosamine 1phosphotransferase deficiency. Identifiers: Orphanet 576, MedGen C2673377, MONDO:0009650, OMIM 252500.
Pseudo-Hurler polydystrophy. Also called: ML III; ML III ALPHA/BETA; Mucolipidosis III Alpha/Beta; Type III Mucolipidosis; ML IIIA; MUCOLIPIDOSIS IIIA. Identifiers: Orphanet 423461, Orphanet 577, MedGen C0033788, MONDO:0018931, OMIM 252600.

Submission:

Diagnostics Division, CENTRE FOR DNA FINGERPRINTING AND DIAGNOSTICS
Classification: Likely pathogenic for Mucolipidosis type II; Pseudo-Hurler polydystrophy. Last evaluated: 2016-01-01. Review status: criteria provided, single submitter. Criteria: ACMG Guidelines, 2015. Collection method: research. Allele origin: unknown. Affected: yes. Observed: 1 homozygote.
Comment: Missense variant